The following is an entry in ClinVar:

ClinVar aggregate classification (germline): Uncertain significance. Review status: criteria provided, multiple submitters, no conflicts (2 of 4 stars). 2 submissions from 2 submitters: Uncertain significance (2). Last evaluated 2025-10-17.

Conditions:
Inborn genetic diseases. Identifiers: MedGen C0950123, MeSH D030342.
Rubinstein-Taybi syndrome due to EP300 haploinsufficiency. Also called: RUBINSTEIN-TAYBI SYNDROME 2; EP300-Related Rubinstein-Taybi Syndrome. Identifiers: Orphanet 353284, Orphanet 783, MedGen C3150941, MONDO:0013364, OMIM 613684.

Allele frequency attached by ClinVar (database versions not stated): gnomAD 0.00001.
gnomAD v4.1: 1 of 1,614,064 alleles (0.000062%); highest among the groups gnomAD compares: African/African-American, 0.0013%; no homozygotes.

Submissions (2):

Ambry Genetics
Classification: Uncertain significance for Inborn genetic diseases. Last evaluated: 2025-10-17. Review status: criteria provided, single submitter. Criteria: Ambry Variant Classification Scheme 2023. Collection method: clinical testing. Allele origin: germline.

MGZ Medical Genetics Center
Classification: Uncertain significance for Rubinstein-Taybi syndrome due to EP300 haploinsufficiency. Last evaluated: 2022-05-25. Review status: criteria provided, single submitter. Criteria: ACMG Guidelines, 2015. Collection method: clinical testing. Allele origin: germline. Affected: yes. Observed: 1 variant allele.
Comment: ACMG criteria applied: PM2_SUP

NM_001429.4(EP300):c.3746A>G (p.Glu1249Gly)

Gene: EP300 (EP300 lysine acetyltransferase; plus strand). Cytogenetic location: 22q13.2.
Variant type: single nucleotide variant.
Coding change: c.3746A>G on transcript NM_001429.4 (MANE Select); coding-DNA position 3746, A replaced by G.
Protein change: p.Glu1249Gly; replaces glutamic acid 1249 with glycine.
Molecular consequence: missense variant.
Genome position (GRCh38, 1-based): chr22:41,164,070, A>G. VCF-style: chr22-41164070-A-G. GRCh37 (hg19) VCF-style: chr22-41560074-A-G.
Other names: c.3668A>G, p.Glu1223Gly (NM_001362843.2); c.3746A>G (NM_001429.3); short protein forms E1223G, E1249G.
Identifiers: ClinVar variation 1709482 (VCV001709482.3), dbSNP rs2059122292, ClinGen allele CA411697804.